The following is an entry in ClinVar:

ClinVar aggregate classification (germline): Uncertain significance (1 of 4 stars; one submission).

Conditions:
Hypertrophic cardiomyopathy. Also called: HYPERTROPHIC MYOCARDIOPATHY. Identifiers: Orphanet 217569, MedGen C0007194, MeSH D002312, MONDO:0005045, HP:0001639.

Allele frequency attached by ClinVar (database versions not stated): gnomAD 0.00001.

Submission:

All of Us Research Program, National Institutes of Health
Classification: Uncertain significance for Hypertrophic cardiomyopathy. Last evaluated: 2023-06-26. Review status: criteria provided, single submitter. Criteria: ACMG Guidelines, 2015. Collection method: clinical testing. Allele origin: germline. Inheritance: Autosomal dominant inheritance. Observed: 1 variant allele, 1 heterozygote.
Comment: This variant causes a deletion of one nucleotide in intron 3 of the MYL3 gene. To our knowledge, functional studies have not been reported for this variant. This variant has not been reported in individuals affected with MYL3-related disorders in the literature. This variant has been identified in 1/31360 chromosomes in the general population by the Genome Aggregation Database (gnomAD). The available evidence is insufficient to determine the role of this variant in disease conclusively. Therefore, this variant is classified as a Variant of Uncertain Significance.

This study involves interpretation of variants in research participants for the purpose of population health screening. Participant phenotype was not available at the time of variant classification. Additional details can be found in publication PMID: 35346344, PMCID: PMC8962531

NM_000258.3(MYL3):c.307+4del

Gene: MYL3 (myosin light chain 3; minus strand). Cytogenetic location: 3p21.31.
Variant type: Deletion.
Coding change: c.307+4del on transcript NM_000258.3 (MANE Select); 4 bases into the intron after coding-DNA position 307, one base deleted (G; older notation c.307+4delG).
Molecular consequence: intron variant.
Genome position (GRCh38, 1-based): chr3:46,860,672, C deleted on the plus strand (G on the coding strand, the reverse complement: MYL3 is on the minus strand). VCF-style (leftmost placement, unchanged base first): chr3-46860671-AC-A. GRCh37 (hg19) VCF-style: chr3-46902161-AC-A.
Other names: c.307+4del (NM_001406939.1, NM_001406938.1, NM_001406937.1); c.133+4del (NM_001406940.1, NM_001406941.1).
Identifiers: ClinVar variation 3072197 (VCV003072197.1), dbSNP rs1280893050, ClinGen allele CA542725912.